The following is an entry in ClinVar:

NM_006766.5(KAT6A):c.1096C>T (p.Arg366Ter)

Gene: KAT6A (lysine acetyltransferase 6A; minus strand). Cytogenetic location: 8p11.21.
Variant type: single nucleotide variant.
Coding change: c.1096C>T on transcript NM_006766.5 (MANE Select); coding-DNA position 1096, C replaced by T.
Protein change: p.Arg366Ter; replaces arginine 366 with a stop codon.
Molecular consequence: nonsense.
Genome position (GRCh38, 1-based): chr8:41,977,275, G>A on the plus strand (C>T on the coding strand, the complement: KAT6A is on the minus strand). VCF-style: chr8-41977275-G-A. GRCh37 (hg19) VCF-style: chr8-41834793-G-A.
Other names: NP_006757.2:p.Arg366Ter; c.1096C>T, p.Arg366Ter (NM_001305878.2); short protein forms R366*.
Identifiers: ClinVar variation 620229 (VCV000620229.5), dbSNP rs1564034820, ClinGen allele CA371076431.
Genomic context (GRCh38, chr8:41,977,275, plus strand): 5'-GCTCTAAATATCCTTCTTCTGATGATGATGATGCTGATTGGCTGGAAAGAGTGATTTTTC[G>A]TTTCCTACCCCTTCCAGGGCCAGTTCGAACTTTGCTGAAGGGACCTTTTGATCTAAACAA-3'

ClinVar aggregate classification (germline): Pathogenic. Review status: criteria provided, multiple submitters, no conflicts (2 of 4 stars). 4 submissions from 4 submitters: Pathogenic (4). Last evaluated 2026-08-19.

Conditions:
Autosomal dominant intellectual disability-craniofacial anomalies-cardiac defects syndrome (ARTHS). Also called: Mental retardation, autosomal dominant 32; Arboleda-Tham syndrome; KAT6A syndrome. Identifiers: Orphanet 457193, MedGen C4225396, MONDO:0014558, OMIM 616268.

Submissions (4):

Department of Rehabilitation, Anhui Provincial Children's Hospital
Classification: Pathogenic for Autosomal dominant intellectual disability-craniofacial anomalies-cardiac defects syndrome. Last evaluated: 2026-08-19. Review status: criteria provided, single submitter. Criteria: ACMG Guidelines, 2015. Collection method: research. Allele origin: unknown. Affected: yes. Observed: 1 variant allele.
Comment: The NM_006766.5:c.1096C>T (p.Arg366Ter) variant introduces a premature termination codon in exon 7 of KAT6A and is predicted to undergo nonsense-mediated mRNA decay, resulting in loss of functional KAT6A protein. The variant is absent from gnomAD. The same variant has previously been reported in unrelated individuals with neurodevelopmental abnormalities and speech/language delay, including de novo occurrences (PMID: 30245513; 34490615). Based on ACMG/AMP criteria with ClinGen-informed evidence weighting, this variant is classified as pathogenic.

GeneDx
Classification: Pathogenic. Last evaluated: 2025-12-18. Review status: criteria provided, single submitter. Criteria: GeneDx Variant Classification Process June 2021. Collection method: clinical testing. Allele origin: germline. Affected: yes.
Comment: Nonsense variant predicted to result in protein truncation or nonsense mediated decay in a gene for which loss of function is a known mechanism of disease; Not observed at significant frequency in large population cohorts (gnomAD); This variant is associated with the following publications: (PMID: 34490615, 30245513)

Dasa
Classification: Pathogenic. Last evaluated: 2025-11-21. Review status: criteria provided, single submitter. Criteria: DASA Assertion Criteria. Collection method: clinical testing. Allele origin: germline.
Comment: NM_006766.5(KAT6A):c.1096C>T (p.Arg366*) introduces a premature termination codon predicted to result in loss of normal protein function. Loss-of-function is an established mechanism of disease for this gene. De novo occurrence has been reported in an individual with related phenotype. This variant has been reported in individuals with related phenotype (PMID: 30245513). Segregation evidence has been reported in affected families. The variant is present at low frequency in population datasets. Based on the available data, this variant is classified as pathogenic.

Institute of Human Genetics, Clinical Exome/Genome Diagnostics Group, University Hospital Bonn
Classification: Pathogenic for Autosomal dominant intellectual disability-craniofacial anomalies-cardiac defects syndrome. Last evaluated: 2024-11-20. Review status: criteria provided, single submitter. Criteria: ACMG Guidelines, 2015. Collection method: clinical testing. Allele origin: de novo. Affected: yes. Observed: 1 heterozygote.
Comment: PVS1, PS2, PS4_mod, PM2_sup

Literature cited by the submitters: PubMed 30245513 (cited by Department of Rehabilitation, Anhui Provincial Children's Hospital and Dasa); PubMed 34490615 (cited by Department of Rehabilitation, Anhui Provincial Children's Hospital).